The following is an entry in ClinVar:

NM_024009.3(GJB3):c.670C>G (p.Arg224Gly)

Gene: GJB3 (gap junction protein beta 3; plus strand). Cytogenetic location: 1p34.3.
Variant type: single nucleotide variant.
Coding change: c.670C>G on transcript NM_024009.3 (MANE Select); coding-DNA position 670, C replaced by G.
Protein change: p.Arg224Gly; replaces arginine 224 with glycine.
Molecular consequence: missense variant.
Genome position (GRCh38, 1-based): chr1:34,785,432, C>G. VCF-style: chr1-34785432-C-G. GRCh37 (hg19) VCF-style: chr1-35251033-C-G.
Other names: c.670C>G, p.Arg224Gly (NM_001005752.2); c.670C>G (NM_024009.2); short protein forms R224G.
Identifiers: ClinVar variation 286639 (VCV000286639.10), dbSNP rs139005182, ClinGen allele CA754883.

ClinVar aggregate classification (germline): Uncertain significance. Review status: criteria provided, multiple submitters, no conflicts (2 of 4 stars). 3 submissions from 3 submitters: Uncertain significance (3). Last evaluated 2024-11-22.

Conditions:
Inborn genetic diseases. Identifiers: MedGen C0950123, MeSH D030342.

Allele frequency attached by ClinVar (database versions not stated): ESP Exome Variant Server 0.00023; TOPMed 0.00036; 1000 Genomes Project 0.00040; 1000 Genomes Project 30x 0.00047.

Submissions (3):

Labcorp Genetics (formerly Invitae), Labcorp
Classification: Uncertain significance. Last evaluated: 2024-11-22. Review status: criteria provided, single submitter. Criteria: Invitae Variant Classification Sherloc (09022015). Collection method: clinical testing. Allele origin: germline.
Comment: This sequence change replaces arginine, which is basic and polar, with glycine, which is neutral and non-polar, at codon 224 of the GJB3 protein (p.Arg224Gly). This variant is present in population databases (rs139005182, gnomAD 0.1%). This variant has not been reported in the literature in individuals affected with GJB3-related conditions. ClinVar contains an entry for this variant (Variation ID: 286639). Invitae Evidence Modeling of protein sequence and biophysical properties (such as structural, functional, and spatial information, amino acid conservation, physicochemical variation, residue mobility, and thermodynamic stability) indicates that this missense variant is not expected to disrupt GJB3 protein function with a negative predictive value of 80%. In summary, the available evidence is currently insufficient to determine the role of this variant in disease. Therefore, it has been classified as a Variant of Uncertain Significance.

Ambry Genetics
Classification: Uncertain significance for Inborn genetic diseases. Last evaluated: 2022-05-31. Review status: criteria provided, single submitter. Criteria: Ambry Variant Classification Scheme 2023. Collection method: clinical testing. Allele origin: germline.

Eurofins Ntd Llc (ga)
Classification: Uncertain significance. Last evaluated: 2016-03-28. Review status: criteria provided, single submitter. Criteria: EGL Classification Definitions 2015. Collection method: clinical testing. Allele origin: germline. Observed: 1 variant allele, 1 heterozygote.